The following is an entry in ClinVar:

NM_002878.4(RAD51D):c.766G>T (p.Asp256Tyr)

Genes: RAD51L3-RFFL (RAD51L3-RFFL readthrough; minus strand), RAD51D (RAD51 paralog D; minus strand). Cytogenetic location: 17q12.
Variant type: single nucleotide variant.
Coding change: c.766G>T on transcript NM_002878.4 (MANE Select); coding-DNA position 766, G replaced by T.
Protein change: p.Asp256Tyr; replaces aspartic acid 256 with tyrosine.
Molecular consequence: missense variant. On other transcripts: non-coding transcript variant (3).
Genome position (GRCh38, 1-based): chr17:35,101,338, C>A on the plus strand (G>T on the coding strand, the complement: RAD51D is on the minus strand). VCF-style: chr17-35101338-C-A. GRCh37 (hg19) VCF-style: chr17-33428357-C-A.
Other names: c.826G>T, p.Asp276Tyr (NM_001142571.2); c.430G>T, p.Asp144Tyr (NM_133629.3); short protein forms D144Y, D256Y, D276Y.
Identifiers: ClinVar variation 1313516 (VCV001313516.14), dbSNP rs1567725026, ClinGen allele CA399086940.
Genomic context (GRCh38, chr17:35,101,338, plus strand): 5'-TCCGAGTGCTGGGCACAAAGCTCCAGGAGCGTCCGAGGGCAGGTTTGAGCCTCCCGCTGT[C>A]CCTGTCTCGAGTTATGTGGTTGGTCACCTGCAGCAGAAACAGACTTACAGATCCATAATG-3'
Protein context (NP_002869.3, residues 246-266): VVTNHITRDR[Asp256Tyr]SGRLKPALGR

ClinVar aggregate classification (germline): Uncertain significance. Review status: criteria provided, multiple submitters, no conflicts (2 of 4 stars). 4 submissions from 4 submitters: Uncertain significance (4). Last evaluated 2024-03-07.

Conditions:
Hereditary cancer-predisposing syndrome. Also called: Hereditary neoplastic syndrome; Neoplastic Syndromes, Hereditary; Tumor predisposition; Hereditary Cancer Syndrome. Identifiers: Orphanet 140162, MedGen C0027672, MeSH D009386, MONDO:0015356.
Breast-ovarian cancer, familial, susceptibility to, 4. Identifiers: Orphanet 145, MedGen C3280345, MONDO:0013669, OMIM 614291.

Submissions (4):

Color Diagnostics, LLC DBA Color Health
Classification: Uncertain significance for Hereditary cancer-predisposing syndrome. Last evaluated: 2024-03-07. Review status: criteria provided, single submitter. Criteria: ACMG Guidelines, 2015. Collection method: clinical testing. Allele origin: germline.
Comment: This missense variant replaces aspartic acid with tyrosine at codon 256 of the RAD51D protein. Computational prediction suggests that this variant may not impact protein structure and function (internally defined REVEL score threshold <= 0.5, PMID: 27666373). To our knowledge, functional studies have not been reported for this variant. This variant has not been reported in individuals affected with hereditary cancer in the literature. This variant has not been identified in the general population by the Genome Aggregation Database (gnomAD). The available evidence is insufficient to determine the role of this variant in disease conclusively. Therefore, this variant is classified as a Variant of Uncertain Significance.

Ambry Genetics
Classification: Uncertain significance for Hereditary cancer-predisposing syndrome. Last evaluated: 2022-10-29. Review status: criteria provided, single submitter. Criteria: Ambry Variant Classification Scheme 2023. Collection method: clinical testing. Allele origin: germline.
Comment: The p.D256Y variant (also known as c.766G>T), located in coding exon 9 of the RAD51D gene, results from a G to T substitution at nucleotide position 766. The aspartic acid at codon 256 is replaced by tyrosine, an amino acid with highly dissimilar properties. This amino acid position is conserved. In addition, the in silico prediction for this alteration is inconclusive. Since supporting evidence is limited at this time, the clinical significance of this alteration remains unclear.

Labcorp Genetics (formerly Invitae), Labcorp
Classification: Uncertain significance for Breast-ovarian cancer, familial, susceptibility to, 4. Last evaluated: 2022-04-27. Review status: criteria provided, single submitter. Criteria: Invitae Variant Classification Sherloc (09022015). Collection method: clinical testing. Allele origin: germline.
Comment: In summary, the available evidence is currently insufficient to determine the role of this variant in disease. Therefore, it has been classified as a Variant of Uncertain Significance. Algorithms developed to predict the effect of sequence changes on RNA splicing suggest that this variant may create or strengthen a splice site. Algorithms developed to predict the effect of missense changes on protein structure and function are either unavailable or do not agree on the potential impact of this missense change (SIFT: "Tolerated"; PolyPhen-2: "Probably Damaging"; Align-GVGD: "Class C0"). ClinVar contains an entry for this variant (Variation ID: 1313516). This variant has not been reported in the literature in individuals affected with RAD51D-related conditions. This variant is not present in population databases (gnomAD no frequency). This sequence change replaces aspartic acid, which is acidic and polar, with tyrosine, which is neutral and polar, at codon 256 of the RAD51D protein (p.Asp256Tyr).

GeneDx
Classification: Uncertain significance. Last evaluated: 2020-10-16. Review status: criteria provided, single submitter. Criteria: GeneDx Variant Classification Process June 2021. Collection method: clinical testing. Allele origin: germline. Affected: yes.
Comment: Not observed in large population cohorts (Lek 2016); In silico analysis supports that this missense variant has a deleterious effect on protein structure/function and a deleterious effect on splicing; Has not been previously published as pathogenic or benign to our knowledge